The following is an entry in ClinVar:

NM_004385.5(VCAN):c.7493G>T (p.Ser2498Ile)

Genes: VCAN (versican; plus strand), VCAN-AS1 (VCAN antisense RNA 1; minus strand). Cytogenetic location: 5q14.3.
Variant type: single nucleotide variant.
Coding change: c.7493G>T on transcript NM_004385.5 (MANE Select); coding-DNA position 7493, G replaced by T.
Protein change: p.Ser2498Ile; replaces serine 2498 with isoleucine.
Molecular consequence: missense variant. On other transcripts: intron variant (2).
Genome position (GRCh38, 1-based): chr5:83,540,496, G>T. VCF-style: chr5-83540496-G-T. GRCh37 (hg19) VCF-style: chr5-82836315-G-T.
Other names: c.4532G>T, p.Ser1511Ile (NM_001164097.2); c.4004-5041G>T (NM_001164098.2); c.1043-5041G>T (NM_001126336.3); short protein forms S2498I, S1511I.
Identifiers: ClinVar variation 354443 (VCV000354443.15), dbSNP rs761405097, ClinGen allele CA3333647.

ClinVar aggregate classification (germline): Conflicting classifications of pathogenicity. Review status: criteria provided, conflicting classifications (1 of 4 stars). 4 submissions from 4 submitters: Uncertain significance (2); Likely benign (2). Last evaluated 2026-02-17.

Conditions:
VCAN-related disorder. Also called: VCAN-related condition.
Vitreoretinopathy. Also called: Vitreoretinal degeneration. Identifiers: MedGen C0344290, MONDO:0020248, HP:0007773.

Allele frequency attached by ClinVar (database versions not stated): ExAC 0.00007; gnomAD 0.00010 and 0.00011; TOPMed 0.00011.
gnomAD v4.1: 168 of 1,613,778 alleles (0.01%); highest among the groups gnomAD compares: Middle Eastern, 0.016%; no homozygotes.

Submissions (4):

PreventionGenetics, part of Exact Sciences
Classification: Uncertain significance for VCAN-related condition. Last evaluated: 2026-02-17. Review status: criteria provided, single submitter. Criteria: ACMG Guidelines, 2015. Collection method: clinical testing. Allele origin: germline.
Comment: The VCAN c.7493G>T variant is predicted to result in the amino acid substitution p.Ser2498Ile. To our knowledge, this variant has not been reported in the literature. This variant is reported in 0.012% of alleles in individuals of European (Non-Finnish) descent in gnomAD. Although we suspect that this variant may be benign, at this time, the clinical significance of this variant is uncertain due to the absence of conclusive functional and genetic evidence.

Labcorp Genetics (formerly Invitae), Labcorp
Classification: Uncertain significance. Last evaluated: 2026-01-24. Review status: criteria provided, single submitter. Criteria: Invitae Variant Classification Sherloc (09022015). Collection method: clinical testing. Allele origin: germline.
Comment: This sequence change replaces serine, which is neutral and polar, with isoleucine, which is neutral and non-polar, at codon 2498 of the VCAN protein (p.Ser2498Ile). This variant is present in population databases (rs761405097, gnomAD 0.01%). This variant has not been reported in the literature in individuals affected with VCAN-related conditions. ClinVar contains an entry for this variant (Variation ID: 354443). An algorithm developed to predict the effect of missense changes on protein structure and function (PolyPhen-2) suggests that this variant is likely to be tolerated. In summary, the available evidence is currently insufficient to determine the role of this variant in disease. Therefore, it has been classified as a Variant of Uncertain Significance.

Blueprint Genetics
Classification: Likely benign. Last evaluated: 2024-07-11. Review status: criteria provided, single submitter. Criteria: ACMG Guidelines, 2015. Collection method: clinical testing. Allele origin: germline.

Illumina Laboratory Services, Illumina
Classification: Likely benign for Vitreoretinopathy. Last evaluated: 2018-01-12. Review status: criteria provided, single submitter. Criteria: ICSL Variant Classification Criteria 13 December 2019. Collection method: clinical testing. Allele origin: germline.
Comment: This variant was observed in the ICSL laboratory as part of a predisposition screen in an ostensibly healthy population. It had not been previously curated by ICSL or reported in the Human Gene Mutation Database (HGMD: prior to June 1st, 2018), and was therefore a candidate for classification through an automated scoring system. Utilizing variant allele frequency, disease prevalence and penetrance estimates, and inheritance mode, an automated score was calculated to assess if this variant is too frequent to cause the disease. Based on the score and internal cut-off values, a variant classified as likely benign is not then subjected to further curation. The score for this variant resulted in a classification of likely benign for this disease.